The following is an entry in ClinVar:

NM_206933.4(USH2A):c.13339A>G (p.Met4447Val)

Gene: USH2A (usherin; minus strand). Cytogenetic location: 1q41.
Variant type: single nucleotide variant.
Coding change: c.13339A>G on transcript NM_206933.4 (MANE Select); coding-DNA position 13339, A replaced by G.
Protein change: p.Met4447Val; replaces methionine 4447 with valine.
Molecular consequence: missense variant.
Genome position (GRCh38, 1-based): chr1:215,674,572, T>C on the plus strand (A>G on the coding strand, the complement: USH2A is on the minus strand). VCF-style: chr1-215674572-T-C. GRCh37 (hg19) VCF-style: chr1-215847914-T-C.
Other names: c.13339A>G (NM_206933.3); short protein forms M4447V.
Identifiers: ClinVar variation 554155 (VCV000554155.35), dbSNP rs139474806, ClinGen allele CA1393310.
Genomic context (GRCh38, chr1:215,674,572, plus strand): 5'-GAGGTTTCCAGGTGATTTCTATTGATTCTGAGCCTGTGACTTGCAATGTTGGAGAGTCCA[T>C]GTTCTCTGGCAGGGCCTCCATTGTCCAGGCAGATTTTGACACACTAGCTGTGCAACCTCC-3'
Protein context (NP_996816.3, residues 4437-4457): AWTMEALPEN[Met4447Val]DSPTLQVTGS

ClinVar aggregate classification (germline): Conflicting classifications of pathogenicity. Review status: criteria provided, conflicting classifications (1 of 4 stars). 19 submissions from 19 submitters: Pathogenic (4); Likely pathogenic (9); Uncertain significance (4). 2 of the submissions do not count toward it. Last evaluated 2026-09-16.

Conditions:
Retinal dystrophy. Also called: Inherited retinal dystrophy. Identifiers: Orphanet 71862, MedGen C0854723, MeSH D058499, MONDO:0019118, HP:0000556.
Usher syndrome. Also called: Usher Syndromes; Usher's syndrome. Identifiers: Orphanet 886, MedGen CN469326, MeSH D052245, MONDO:0019501. Disease mechanism: loss of function.
USH2A-related disorder. Also called: USH2A-related condition; USH2A-related disorders. Identifiers: MedGen CN239332.
Retinitis pigmentosa 39 (RP39). Identifiers: Orphanet 791, MedGen C3151138, MONDO:0013436, OMIM 613809.
Usher syndrome type 2A. Also called: RETINAL DISEASE IN USHER SYNDROME TYPE IIA, MODIFIER OF; USHER SYNDROME, TYPE IIA. Identifiers: Orphanet 231178, Orphanet 886, MedGen C1848634, MONDO:0010169, OMIM 276901.
Retinitis pigmentosa (RP). Identifiers: Orphanet 791, MedGen C0035334, MeSH D012174, MONDO:0019200, OMIM 268000. Inheritance: Autosomal dominant, autosomal recessive and X linked inheritance.

Allele frequency attached by ClinVar (database versions not stated): 1000 Genomes Project 0.00020; TOPMed 0.00003; ESP Exome Variant Server 0.00015; 1000 Genomes Project 30x 0.00016.
gnomAD v4.1: 82 of 1,614,162 alleles (0.0051%); highest among the groups gnomAD compares: East Asian, 0.047%; no homozygotes.

Submissions 1 to 12 of 19:

PreventionGenetics, part of Exact Sciences
Classification: Uncertain significance for USH2A-related condition. Last evaluated: 2026-09-16. Review status: criteria provided, single submitter. Criteria: ACMG Guidelines, 2015. Collection method: clinical testing. Allele origin: germline.
Comment: The USH2A c.13339A>G variant is predicted to result in the amino acid substitution p.Met4447Val. This variant has been reported in combination with another USH2A variant in multiple individuals with Usher syndrome 2 or non-syndromic retinitis pigmentosa (see for example: McGee et al. 2010. PubMed ID:  20507924; Lin et al. 2023. PubMed ID: 38879497; Ogorodova et al. 2024. PubMed ID: 39596236). This variant is reported in 0.070% of alleles in individuals of East Asian descent in gnomAD and has conflicting classifications in ClinVar ranging from uncertain to pathogenic (Variation ID: 554155). Although we suspect that this variant may be pathogenic, at this time, the clinical significance of this variant is uncertain due to the absence of conclusive functional and genetic evidence.

Women's Health and Genetics/Laboratory Corporation of America, LabCorp
Classification: Pathogenic for Usher syndrome. Last evaluated: 2026-03-11. Review status: criteria provided, single submitter. Criteria: LabCorp Variant Classification Summary - May 2015. Collection method: clinical testing. Allele origin: germline.
Comment: Variant summary: USH2A c.13339A>G (p.Met4447Val) results in a conservative amino acid change in the encoded protein sequence. Algorithms developed to predict the effect of missense changes on protein structure and function are either unavailable or do not agree on the potential impact of this missense change. The variant allele was found at a frequency of 0.00012 in 250650 control chromosomes. This frequency is not significantly higher than estimated for disease-causing variants in USH2A, allowing no conclusion about variant significance. c.13339A>G has been observed in multiple individuals affected with Retinitis Pigmentosa or Usher Syndrome (e.g. Gao_2021, Huang_2025, Li_2023, Meng_2021, Ogorodova_2024, Su_2022, Internal data). These data indicate that the variant is very likely to be associated with disease. To our knowledge, no experimental evidence demonstrating an impact on protein function has been reported. The following publications have been ascertained in the context of this evaluation (PMID: 32188678, 41060150, 36729443, 33124170, 39596236, 36034145). ClinVar contains an entry for this variant (Variation ID: 554155). Based on the evidence outlined above, the variant was classified as pathogenic.

Labcorp Genetics (formerly Invitae), Labcorp
Classification: Pathogenic. Last evaluated: 2026-02-01. Review status: criteria provided, single submitter. Criteria: Invitae Variant Classification Sherloc (09022015). Collection method: clinical testing. Allele origin: germline.
Comment: This sequence change replaces methionine, which is neutral and non-polar, with valine, which is neutral and non-polar, at codon 4447 of the USH2A protein (p.Met4447Val). This variant is present in population databases (rs139474806, gnomAD 0.08%). This missense change has been observed in individual(s) with USH2A-related conditions (PMID: 29625443, 31872526, 31960602; internal data). In at least one individual the data is consistent with being in trans (on the opposite chromosome) from a pathogenic variant. ClinVar contains an entry for this variant (Variation ID: 554155). Invitae Evidence Modeling of protein sequence and biophysical properties (such as structural, functional, and spatial information, amino acid conservation, physicochemical variation, residue mobility, and thermodynamic stability) indicates that this missense variant is not expected to disrupt USH2A protein function with a negative predictive value of 95%. For these reasons, this variant has been classified as Pathogenic.

Medical and Scientific Branch, Hong Kong Genome Institute
Classification: Likely pathogenic for Retinitis pigmentosa 39. Last evaluated: 2026-01-26. Review status: criteria provided, single submitter. Criteria: ACMG Guidelines, 2015. Collection method: clinical testing. Allele origin: maternal. Affected: yes.

Natera, Inc.
Classification: Likely pathogenic for Usher syndrome type 2A. Last evaluated: 2025-08-07. Review status: criteria provided, single submitter. Criteria: Natera Variant Classification Schema (03/2026). Collection method: clinical testing. Allele origin: germline.
Comment: The c.13339A>G variant in USH2A is a missense variant predicted to cause substitution of methionine to valine at amino acid 4447. This variant is rare in the general population with a frequency below the threshold expected for the associated phenotype(s). This variant has been observed in one or more individuals affected with the associated recessive disease, as either homozygous or compound heterozygous with a second variant (PMID: 31872526, 33124170, 33090715). Given the available evidence, this variant is classified as Likely Pathogenic.

First Genomix Gene Laboratory, Genetic Diagnostics Department
Classification: Likely pathogenic for Retinitis pigmentosa 39; Usher syndrome type 2A. Last evaluated: 2025-07-31. Review status: criteria provided, single submitter. Criteria: ACMG Guidelines, 2015. Collection method: clinical testing. Allele origin: germline. Inheritance: Autosomal recessive inheritance. Affected: no. Observed: 1 variant allele.

SingHealth Duke-NUS Institute of Precision Medicine
Classification: Likely pathogenic for Retinitis pigmentosa 39. Last evaluated: 2025-02-05. Review status: criteria provided, single submitter. Criteria: PRISM ACMG Classification Criteria. Collection method: clinical testing. Allele origin: germline. Affected: yes.
Comment: Variant is located in a mutational hotspot where >50% of variants are pathogenic (PM1). Homozygous allele count in gnomAD exomes and genomes are less than 0 (PM2). Other variant at this amino acid residue has been classified as pathogenic/likely pathogenic (PM5, p.Met4447Leu). Variant has been observed in trans with another pathogenic variant (PM3, internal data, PMID: 31872526)

Revvity Omics, Revvity
Classification: Pathogenic. Last evaluated: 2025-02-04. Review status: criteria provided, single submitter. Criteria: ACMG Guidelines, 2015. Collection method: clinical testing. Allele origin: germline.

3billion
Classification: Likely pathogenic for USH2A-related disorder. Last evaluated: 2024-10-24. Review status: criteria provided, single submitter. Criteria: ACMG Guidelines, 2015. Collection method: clinical testing. Allele origin: germline. Affected: yes.
Comment: The variant is observed at an extremely low frequency in the gnomAD v4.1.0 dataset (total allele frequency: 0.005%). Predicted Consequence/Location: Missense variant. The majority of the known disease-causing variants of this gene are variants expected to result in premature termination of the protein. In silico tool predictions suggest damaging effect of the variant on gene or gene product [REVEL: 0.18 (>=0.6, sensitivity 0.68 and specificity 0.92); 3Cnet: 0.81 (>=0.6, sensitivity 0.72 and precision 0.9)]. The same nucleotide change resulting in the same amino acid change has been previously reported to be associated with USH2A related disorder (3billion dataset).A different missense change at the same codon (p.Met4447Leu) has been reported as pathogenic/likely pathogenic with strong evidence (ClinVar ID: VCV000930727). Therefore, this variant is classified as Likely pathogenic according to the recommendation of ACMG/AMP guideline.

GeneDx
Classification: Uncertain significance. Last evaluated: 2024-07-24. Review status: criteria provided, single submitter. Criteria: GeneDx Variant Classification Process June 2021. Collection method: clinical testing. Allele origin: germline. Affected: yes.
Comment: In silico analysis supports that this missense variant does not alter protein structure/function; This variant is associated with the following publications: (PMID: 35456422, 31054281, 24938718, 20507924, 23661368, 31960602, 31456290, 33608557, 31964843, 36729443, 36819107, 34906470, 34721897, 33124170, 31872526, 33090715, 33946315, 32675063, 32188678, 38879497, 29625443)

Baylor Genetics
Classification: Likely pathogenic for Retinitis pigmentosa 39. Last evaluated: 2024-03-30. Review status: criteria provided, single submitter. Criteria: ACMG Guidelines, 2015. Collection method: clinical testing. Allele origin: unknown.

Fulgent Genetics
Classification: Likely pathogenic for Usher syndrome type 2A; Retinitis pigmentosa 39. Last evaluated: 2024-03-05. Review status: criteria provided, single submitter. Criteria: ACMG Guidelines, 2015. Collection method: clinical testing. Allele origin: germline.